The following is an entry in ClinVar:

ClinVar aggregate classification (germline): Uncertain significance (1 of 4 stars; one submission).

Conditions:
Curry-Hall syndrome (WAD). Also called: WEYERS ACRODENTAL DYSOSTOSIS. Identifiers: Orphanet 952, MedGen C0457013, MONDO:0008673, OMIM 193530.
Ellis-van Creveld syndrome (EVC). Also called: EVC-Related Ellis-van Creveld Syndrome; EVC2-Related Ellis-van Creveld Syndrome; MESOECTODERMAL DYSPLASIA; Chondroectodermal dysplasia. Identifiers: Orphanet 289, MedGen C0013903, MONDO:0009162, OMIM 225500.

Submission:

Labcorp Genetics (formerly Invitae), Labcorp
Classification: Uncertain significance for Curry-Hall syndrome; Ellis-van Creveld syndrome. Last evaluated: 2024-08-06. Review status: criteria provided, single submitter. Criteria: Invitae Variant Classification Sherloc (09022015). Collection method: clinical testing. Allele origin: germline.
Comment: This sequence change replaces threonine, which is neutral and polar, with alanine, which is neutral and non-polar, at codon 740 of the EVC2 protein (p.Thr740Ala). This variant is not present in population databases (gnomAD no frequency). This variant has not been reported in the literature in individuals affected with EVC2-related conditions. An algorithm developed to predict the effect of missense changes on protein structure and function (PolyPhen-2) suggests that this variant is likely to be disruptive. In summary, the available evidence is currently insufficient to determine the role of this variant in disease. Therefore, it has been classified as a Variant of Uncertain Significance.

NM_147127.5(EVC2):c.2218A>G (p.Thr740Ala)

Gene: EVC2 (EvC ciliary complex subunit 2; minus strand). Cytogenetic location: 4p16.2.
Variant type: single nucleotide variant.
Coding change: c.2218A>G on transcript NM_147127.5 (MANE Select); coding-DNA position 2218, A replaced by G.
Protein change: p.Thr740Ala; replaces threonine 740 with alanine.
Molecular consequence: missense variant.
Genome position (GRCh38, 1-based): chr4:5,622,820, T>C on the plus strand (A>G on the coding strand, the complement: EVC2 is on the minus strand). VCF-style: chr4-5622820-T-C. GRCh37 (hg19) VCF-style: chr4-5624547-T-C.
Other names: c.1978A>G, p.Thr660Ala (NM_001166136.2); short protein forms T660A, T740A.
Identifiers: ClinVar variation 3758202 (VCV003758202.2).